The following is an entry in ClinVar:

NM_001276270.2(MBD4):c.1157G>T (p.Cys386Phe)

Gene: MBD4 (methyl-CpG binding domain 4, DNA glycosylase; minus strand). Cytogenetic location: 3q21.3.
Variant type: single nucleotide variant.
Coding change: c.1157G>T on transcript NM_001276270.2 (MANE Select); coding-DNA position 1157, G replaced by T.
Protein change: p.Cys386Phe; replaces cysteine 386 with phenylalanine.
Molecular consequence: missense variant. On other transcripts: intron variant (1).
Genome position (GRCh38, 1-based): chr3:129,436,487, C>A on the plus strand (G>T on the coding strand, the complement: MBD4 is on the minus strand). VCF-style: chr3-129436487-C-A. GRCh37 (hg19) VCF-style: chr3-129155330-C-A.
Other names: c.1157G>T, p.Cys386Phe (NM_001276271.2, NM_001276272.2, NM_003925.3); c.247+1321G>T (NM_001276273.2); short protein forms C386F.
Identifiers: ClinVar variation 3697607 (VCV003697607.3).

ClinVar aggregate classification (germline): Uncertain significance. Review status: criteria provided, multiple submitters, no conflicts (2 of 4 stars). 2 submissions from 2 submitters: Uncertain significance (2). Last evaluated 2025-10-30.

Conditions:
Inborn genetic diseases. Identifiers: MedGen C0950123, MeSH D030342.

gnomAD v4.1: 4 of 1,614,074 alleles (0.00025%); highest among the groups gnomAD compares: Non-Finnish European, 0.00017%; no homozygotes.

Submissions (2):

Ambry Genetics
Classification: Uncertain significance for Inborn genetic diseases. Last evaluated: 2025-10-30. Review status: criteria provided, single submitter. Criteria: Ambry Variant Classification Scheme 2023. Collection method: clinical testing. Allele origin: germline.
Comment: The p.C386F variant (also known as c.1157G>T), located in coding exon 3 of the MBD4 gene, results from a G to T substitution at nucleotide position 1157. The cysteine at codon 386 is replaced by phenylalanine, an amino acid with highly dissimilar properties. This amino acid position is not well conserved in available vertebrate species. In addition, the in silico prediction for this alteration is inconclusive. Based on the available evidence, the clinical significance of this variant remains unclear.

Labcorp Genetics (formerly Invitae), Labcorp
Classification: Uncertain significance. Last evaluated: 2025-05-04. Review status: criteria provided, single submitter. Criteria: Invitae Variant Classification Sherloc (09022015). Collection method: clinical testing. Allele origin: germline.
Comment: This sequence change replaces cysteine, which is neutral and slightly polar, with phenylalanine, which is neutral and non-polar, at codon 386 of the MBD4 protein (p.Cys386Phe). This variant is not present in population databases (gnomAD no frequency). This missense change has been observed in individual(s) with colorectal cancer (PMID: 26503472). ClinVar contains an entry for this variant (Variation ID: 3697607). An algorithm developed to predict the effect of missense changes on protein structure and function (PolyPhen-2) suggests that this variant is likely to be disruptive. Experimental studies have shown that this missense change affects MBD4 function (PMID: 26503472). In summary, the available evidence is currently insufficient to determine the role of this variant in disease. Therefore, it has been classified as a Variant of Uncertain Significance.

Literature cited by the submitters: PubMed 26503472 (cited by Labcorp Genetics (formerly Invitae), Labcorp).